The following is an entry in ClinVar:

ClinVar aggregate classification (germline): Uncertain significance (1 of 4 stars; one submission).

Conditions:
Familial adenomatous polyposis 1 (FAP1). Also called: FAMILIAL ADENOMATOUS POLYPOSIS 1, ATTENUATED; POLYPOSIS, ADENOMATOUS INTESTINAL. Identifiers: MedGen C2713442, MONDO:0021056, OMIM 175100. Disease mechanism: loss of function.

Submission:

Labcorp Genetics (formerly Invitae), Labcorp
Classification: Uncertain significance for Familial adenomatous polyposis 1. Last evaluated: 2021-06-21. Review status: criteria provided, single submitter. Criteria: Invitae Variant Classification Sherloc (09022015). Collection method: clinical testing. Allele origin: germline.
Comment: In summary, the available evidence is currently insufficient to determine the role of this variant in disease. Therefore, it has been classified as a Variant of Uncertain Significance. Nucleotide substitutions within the consensus splice site are a relatively common cause of aberrant splicing (PMID: 17576681, 9536098). Algorithms developed to predict the effect of sequence changes on RNA splicing suggest that this variant is not likely to affect RNA splicing, but this prediction has not been confirmed by published transcriptional studies. This variant has not been reported in the literature in individuals with APC-related conditions. This variant is not present in population databases (ExAC no frequency). This sequence change falls in intron 3 of the APC gene. It does not directly change the encoded amino acid sequence of the APC protein. It affects a nucleotide within the consensus splice site of the intron.

Literature cited by the submitters: PubMed 17576681; PubMed 9536098.

NM_000038.6(APC):c.220+5A>T

Gene: APC (APC regulator of Wnt signaling pathway; plus strand). Cytogenetic location: 5q22.2.
Variant type: single nucleotide variant.
Coding change: c.220+5A>T on transcript NM_000038.6 (MANE Select); 5 bases into the intron after coding-DNA position 220, A replaced by T.
Molecular consequence: intron variant.
Genome position (GRCh38, 1-based): chr5:112,766,415, A>T. VCF-style: chr5-112766415-A-T. GRCh37 (hg19) VCF-style: chr5-112102112-A-T.
Other names: c.220+5A>T (NM_001354895.2, NM_001127510.3, NM_001354896.2 and 2 more transcripts); c.250+5A>T (NM_001354897.2, NM_001354902.2, NM_001127511.3); c.145+5A>T (NM_001354898.2, NM_001354904.2); c.-816+5A>T (NM_001354906.2); c.43+5A>T (NM_001354900.2, NM_001354901.2, NM_001354905.2).
Identifiers: ClinVar variation 1506903 (VCV001506903.6), dbSNP rs1554069584, ClinGen allele CA2573138598.